The following is an entry in ClinVar:

NM_001370259.2(MEN1):c.38T>C (p.Leu13Pro)

Gene: MEN1 (menin 1; minus strand). Cytogenetic location: 11q13.1.
Variant type: single nucleotide variant.
Coding change: c.38T>C on transcript NM_001370259.2 (MANE Select); coding-DNA position 38, T replaced by C.
Protein change: p.Leu13Pro; replaces leucine 13 with proline.
Molecular consequence: missense variant.
Genome position (GRCh38, 1-based): chr11:64,810,072, A>G on the plus strand (T>C on the coding strand, the complement: MEN1 is on the minus strand). VCF-style: chr11-64810072-A-G. GRCh37 (hg19) VCF-style: chr11-64577544-A-G.
Other names: c.38T>C, p.Leu13Pro (NM_000244.4, NM_001370251.2, NM_001370260.2 and 9 more transcripts); short protein forms L13P.
Identifiers: ClinVar variation 648424 (VCV000648424.10), dbSNP rs1262285748, ClinGen allele CA381188209.

ClinVar aggregate classification (germline): Uncertain significance (1 of 4 stars; one submission).

Conditions:
Multiple endocrine neoplasia, type 1 (MEN1). Also called: Endocrine adenomatosis multiple; MEN 1; MEA I; MEN I; WERMER SYNDROME. Identifiers: Orphanet 652, MedGen C0025267, MeSH D018761, MONDO:0007540, OMIM 131100.

Allele frequency attached by ClinVar (database versions not stated): gnomAD exomes below 0.00001.

Submission:

Labcorp Genetics (formerly Invitae), Labcorp
Classification: Uncertain significance for Multiple endocrine neoplasia, type 1. Last evaluated: 2025-01-20. Review status: criteria provided, single submitter. Criteria: Invitae Variant Classification Sherloc (09022015). Collection method: clinical testing. Allele origin: germline.
Comment: This sequence change replaces leucine, which is neutral and non-polar, with proline, which is neutral and non-polar, at codon 13 of the MEN1 protein (p.Leu13Pro). This variant is not present in population databases (gnomAD no frequency). This variant has not been reported in the literature in individuals affected with MEN1-related conditions. ClinVar contains an entry for this variant (Variation ID: 648424). Invitae Evidence Modeling of protein sequence and biophysical properties (such as structural, functional, and spatial information, amino acid conservation, physicochemical variation, residue mobility, and thermodynamic stability) indicates that this missense variant is expected to disrupt MEN1 protein function with a positive predictive value of 95%. In summary, the available evidence is currently insufficient to determine the role of this variant in disease. Therefore, it has been classified as a Variant of Uncertain Significance.